The following is an entry in ClinVar:

NM_001267550.2(TTN):c.14424G>C (p.Val4808=)

Gene: TTN (titin; minus strand). Cytogenetic location: 2q31.2.
Variant type: single nucleotide variant.
Coding change: c.14424G>C on transcript NM_001267550.2 (MANE Select); coding-DNA position 14424, G replaced by C.
Protein change: p.Val4808=; no amino-acid change (valine 4808 retained).
Molecular consequence: synonymous variant. On other transcripts: intron variant (3).
Genome position (GRCh38, 1-based): chr2:178,736,022, C>G on the plus strand (G>C on the coding strand, the complement: TTN is on the minus strand). VCF-style: chr2-178736022-C-G. GRCh37 (hg19) VCF-style: chr2-179600749-C-G.
Other names: c.13473G>C, p.Val4491= (NM_001256850.1); c.10692G>C, p.Val3564= (NM_133378.4); c.13282+2060G>C (NM_003319.4); c.13858+2060G>C (NM_133437.4); c.13657+2060G>C (NM_133432.3).
Identifiers: ClinVar variation 96267 (VCV000096267.60), dbSNP rs374479775, ClinGen allele CA223879.

ClinVar aggregate classification (germline): Conflicting classifications of pathogenicity. Review status: criteria provided, conflicting classifications (1 of 4 stars). 9 submissions from 9 submitters: Uncertain significance (1); Benign (3); Likely benign (5). Last evaluated 2026-09-01.

Conditions:
TTN-related disorder. Also called: TTN-related disorders; TTN-related condition; TTN-related disease.
Dilated cardiomyopathy 1G (CMD1G). Identifiers: Orphanet 154, MedGen C1858763, MONDO:0011400, OMIM 604145.
Autosomal recessive limb-girdle muscular dystrophy type 2J (LGMDR10). Also called: Limb-girdle muscular dystrophy, type 2J; MUSCULAR DYSTROPHY, LIMB-GIRDLE, AUTOSOMAL RECESSIVE 10. Identifiers: Orphanet 140922, MedGen C1837342, MONDO:0012127, OMIM 608807.
Cardiomyopathy (CMYO). Also called: Cardiomyopathies. Identifiers: Orphanet 167848, MedGen C0878544, MONDO:0004994, HP:0001638. Inheritance: Various modes of inheritance.

Allele frequency attached by ClinVar (database versions not stated): ESP Exome Variant Server 0.00025; gnomAD exomes 0.00009 and 0.00032; gnomAD 0.00019 and 0.00020; TOPMed 0.00019; ExAC 0.00009.
gnomAD v4.1: 527 of 1,611,308 alleles (0.033%); highest among the groups gnomAD compares: Non-Finnish European, 0.041%; no homozygotes.

Submissions (9):

CeGaT Center for Human Genetics Tuebingen
Classification: Likely benign. Last evaluated: 2026-09-01. Review status: criteria provided, single submitter. Criteria: CeGaT Center For Human Genetics Tuebingen Variant Classification Criteria Version 2. Collection method: clinical testing. Allele origin: germline. Affected: yes. Observed: 3 variant alleles.
Comment: TTN: BP4

Labcorp Genetics (formerly Invitae), Labcorp
Classification: Likely benign for Dilated cardiomyopathy 1G; Autosomal recessive limb-girdle muscular dystrophy type 2J. Last evaluated: 2026-02-01. Review status: criteria provided, single submitter. Criteria: Invitae Variant Classification Sherloc (09022015). Collection method: clinical testing. Allele origin: germline.

Women's Health and Genetics/Laboratory Corporation of America, LabCorp
Classification: Likely benign. Last evaluated: 2025-06-12. Review status: criteria provided, single submitter. Criteria: LabCorp Variant Classification Summary - May 2015. Collection method: clinical testing. Allele origin: germline.

PreventionGenetics, part of Exact Sciences
Classification: Likely benign for TTN-related condition. Last evaluated: 2025-04-16. Review status: criteria provided, single submitter. Criteria: ACMG Guidelines, 2015. Collection method: clinical testing. Allele origin: germline.
Comment: This variant is classified as likely benign based on ACMG/AMP sequence variant interpretation guidelines (Richards et al. 2015 PMID: 25741868, with internal and published modifications).

Blueprint Genetics
Classification: Likely benign. Last evaluated: 2024-11-21. Review status: criteria provided, single submitter. Criteria: ACMG Guidelines, 2015. Collection method: clinical testing. Allele origin: germline.

ARUP Laboratories, Molecular Genetics and Genomics, ARUP Laboratories
Classification: Benign. Last evaluated: 2018-02-21. Review status: criteria provided, single submitter. Criteria: ARUP Molecular Germline Variant Investigation Process. Collection method: clinical testing. Allele origin: germline.

CHEO Genetics Diagnostic Laboratory, Children's Hospital of Eastern Ontario
Classification: Benign for Cardiomyopathy. Last evaluated: 2017-11-30. Review status: criteria provided, single submitter. Criteria: ACMG Guidelines, 2015. Collection method: clinical testing. Allele origin: germline.

Eurofins Ntd Llc (ga)
Classification: Uncertain significance. Last evaluated: 2016-01-26. Review status: criteria provided, single submitter. Criteria: EGL Classification Definitions 2015. Collection method: clinical testing. Allele origin: germline. Observed: 2 variant alleles, 2 heterozygotes.

GeneDx
Classification: Benign. Last evaluated: 2014-09-19. Review status: criteria provided, single submitter. Criteria: GeneDx Variant Classification (06012015). Collection method: clinical testing. Allele origin: germline. Affected: yes.
Comment: This variant is considered likely benign or benign based on one or more of the following criteria: it is a conservative change, it occurs at a poorly conserved position in the protein, it is predicted to be benign by multiple in silico algorithms, and/or has population frequency not consistent with disease.